The following is an entry in ClinVar:

ClinVar aggregate classification (germline): Likely benign. Review status: criteria provided, multiple submitters, no conflicts (2 of 4 stars). 2 submissions from 2 submitters: Likely benign (2). Last evaluated 2018-06-16.

Allele frequency attached by ClinVar (database versions not stated): gnomAD exomes 0.00045; 1000 Genomes Project 0.00359; 1000 Genomes Project 30x 0.00359; gnomAD 0.00401 and 0.00426; TOPMed 0.00473.

Submissions (2):

GeneDx
Classification: Likely benign. Last evaluated: 2018-06-16. Review status: criteria provided, single submitter. Criteria: GeneDx Variant Classification (06012015). Collection method: clinical testing. Allele origin: germline. Affected: yes.
Comment: This variant is considered likely benign or benign based on one or more of the following criteria: it is a conservative change, it occurs at a poorly conserved position in the protein, it is predicted to be benign by multiple in silico algorithms, and/or has population frequency not consistent with disease.

Breakthrough Genomics
Classification: Likely benign. Review status: criteria provided, single submitter. Criteria: ACMG Guidelines, 2015. Collection method: not provided. Allele origin: germline. Inheritance: Autosomal recessive inheritance. Affected: yes.

NM_017777.4(MKS1):c.645-96A>G

Gene: MKS1 (MKS transition zone complex subunit 1; minus strand). Cytogenetic location: 17q22.
Variant type: single nucleotide variant.
Coding change: c.645-96A>G on transcript NM_017777.4 (MANE Select); 96 bases into the intron before coding-DNA position 645, A replaced by G.
Molecular consequence: intron variant.
Genome position (GRCh38, 1-based): chr17:58,213,965, T>C on the plus strand (A>G on the coding strand, the complement: MKS1 is on the minus strand). VCF-style: chr17-58213965-T-C. GRCh37 (hg19) VCF-style: chr17-56291326-T-C.
Other names: c.36-96A>G (NM_001321268.2); c.645-96A>G (NM_001330397.2, NM_001321269.2).
Identifiers: ClinVar variation 678958 (VCV000678958.2), dbSNP rs146873050, ClinGen allele CA292013334.